The following is an entry in ClinVar:

ClinVar aggregate classification (germline): Uncertain significance. Review status: criteria provided, multiple submitters, no conflicts (2 of 4 stars). 2 submissions from 2 submitters: Uncertain significance (2). Last evaluated 2026-06-22.

Conditions:
Inborn genetic diseases. Identifiers: MedGen C0950123, MeSH D030342.

gnomAD v4.1: 2 of 1,614,138 alleles (0.00012%); highest among the groups gnomAD compares: Admixed American, 0.0017%; no homozygotes.

Submissions (2):

Ambry Genetics
Classification: Uncertain significance for Inborn genetic diseases. Last evaluated: 2026-06-22. Review status: criteria provided, single submitter. Criteria: Ambry Variant Classification Scheme 2023. Collection method: clinical testing. Allele origin: germline.
Comment: The c.1543G>A variant (also known as p.D515N), located in coding exon 6 of the MBD4 gene, results from a G to A substitution at nucleotide position 1543. The aspartic acid at codon 515 is replaced by asparagine, an amino acid with highly similar properties. However, this change occurs in the last base pair of coding exon 6, which makes it likely to have some effect on normal mRNA splicing. This nucleotide position is highly conserved in available vertebrate species. This amino acid position is well conserved in available vertebrate species. In silico splice site analysis predicts that this alteration will weaken the native splice donor site. In addition, as a missense substitution this is predicted to be tolerated by in silico analysis. Based on the available evidence, the clinical significance of this variant remains unclear.

Labcorp Genetics (formerly Invitae), Labcorp
Classification: Uncertain significance. Last evaluated: 2025-05-07. Review status: criteria provided, single submitter. Criteria: Invitae Variant Classification Sherloc (09022015). Collection method: clinical testing. Allele origin: germline.
Comment: This sequence change replaces aspartic acid, which is acidic and polar, with asparagine, which is neutral and polar, at codon 521 of the MBD4 protein (p.Asp521Asn). This variant also falls at the last nucleotide of exon 6, which is part of the consensus splice site for this exon. This variant is present in population databases (no rsID available, gnomAD 0.003%). This variant has not been reported in the literature in individuals affected with MBD4-related conditions. An algorithm developed to predict the effect of missense changes on protein structure and function (PolyPhen-2) suggests that this variant is likely to be disruptive. Variants that disrupt the consensus splice site are a relatively common cause of aberrant splicing (PMID: 17576681, 9536098). Algorithms developed to predict the effect of sequence changes on RNA splicing suggest that this variant may disrupt the consensus splice site. In summary, the available evidence is currently insufficient to determine the role of this variant in disease. Therefore, it has been classified as a Variant of Uncertain Significance.

Literature cited by the submitters: PubMed 17576681 (cited by Labcorp Genetics (formerly Invitae), Labcorp); PubMed 9536098 (cited by Labcorp Genetics (formerly Invitae), Labcorp).

NM_001276270.2(MBD4):c.1543G>A (p.Asp515Asn)

Gene: MBD4 (methyl-CpG binding domain 4, DNA glycosylase; minus strand). Cytogenetic location: 3q21.3.
Variant type: single nucleotide variant.
Coding change: c.1543G>A on transcript NM_001276270.2 (MANE Select); coding-DNA position 1543, G replaced by A.
Protein change: p.Asp515Asn; replaces aspartic acid 515 with asparagine.
Molecular consequence: missense variant.
Genome position (GRCh38, 1-based): chr3:129,433,098, C>T on the plus strand (G>A on the coding strand, the complement: MBD4 is on the minus strand). VCF-style: chr3-129433098-C-T. GRCh37 (hg19) VCF-style: chr3-129151941-C-T.
Other names: c.1561G>A, p.Asp521Asn (NM_001276271.2, NM_001276272.2, NM_003925.3); c.607G>A, p.Asp203Asn (NM_001276273.2); short protein forms D515N, D521N, D203N.
Identifiers: ClinVar variation 4719216 (VCV004719216.2).